The following is an entry in ClinVar:

ClinVar aggregate classification (germline): Benign/Likely benign. Review status: criteria provided, multiple submitters, no conflicts (2 of 4 stars). 5 submissions from 5 submitters: Benign (1); Likely benign (4). Last evaluated 2026-07-01.

Conditions:
DSTYK-related disorder. Also called: DSTYK-related condition.

Allele frequency attached by ClinVar (database versions not stated): gnomAD 0.00179; 1000 Genomes Project 0.00180; 1000 Genomes Project 30x 0.00187; gnomAD exomes 0.00189 and 0.00309; ESP Exome Variant Server 0.00238; TOPMed 0.00272.
gnomAD v4.1: 3,376 of 1,575,970 alleles (0.21%); highest among the groups gnomAD compares: Middle Eastern, 1.3%; 41 homozygotes.

Submissions (5):

CeGaT Center for Human Genetics Tuebingen
Classification: Likely benign. Last evaluated: 2026-07-01. Review status: criteria provided, single submitter. Criteria: CeGaT Center For Human Genetics Tuebingen Variant Classification Criteria Version 2. Collection method: clinical testing. Allele origin: germline. Affected: yes. Observed: 11 variant alleles.
Comment: DSTYK: BS2

PreventionGenetics, part of Exact Sciences
Classification: Benign for DSTYK-related condition. Last evaluated: 2026-06-10. Review status: criteria provided, single submitter. Criteria: ACMG Guidelines, 2015. Collection method: clinical testing. Allele origin: germline.
Comment: This variant is classified as benign based on ACMG/AMP sequence variant interpretation guidelines (Richards et al. 2015 PMID: 25741868, with internal and published modifications).

Labcorp Genetics (formerly Invitae), Labcorp
Classification: Likely benign. Last evaluated: 2025-12-23. Review status: criteria provided, single submitter. Criteria: Invitae Variant Classification Sherloc (09022015). Collection method: clinical testing. Allele origin: germline.

Genomic Medicine Center of Excellence, King Faisal Specialist Hospital and Research Centre
Classification: Likely benign. Last evaluated: 2025-08-18. Review status: criteria provided, single submitter. Criteria: ACMG Guidelines, 2015. Collection method: clinical testing. Allele origin: germline.

Breakthrough Genomics
Classification: Likely benign. Review status: criteria provided, single submitter. Criteria: ACMG Guidelines, 2015. Collection method: not provided. Allele origin: germline. Inheritance: Autosomal recessive inheritance. Affected: yes.

NM_015375.3(DSTYK):c.2215C>T (p.Arg739Trp)

Gene: DSTYK (dual serine/threonine and tyrosine protein kinase; minus strand). Cytogenetic location: 1q32.1.
Variant type: single nucleotide variant.
Coding change: c.2215C>T on transcript NM_015375.3 (MANE Select); coding-DNA position 2215, C replaced by T.
Protein change: p.Arg739Trp; replaces arginine 739 with tryptophan.
Molecular consequence: missense variant.
Genome position (GRCh38, 1-based): chr1:205,159,570, G>A on the plus strand (C>T on the coding strand, the complement: DSTYK is on the minus strand). VCF-style: chr1-205159570-G-A. GRCh37 (hg19) VCF-style: chr1-205128698-G-A.
Other names: c.2215C>T, p.Arg739Trp (NM_199462.3); short protein forms R739W.
Identifiers: ClinVar variation 712923 (VCV000712923.36), dbSNP rs114762711, ClinGen allele CA1352635.